The following is an entry in ClinVar:

ClinVar aggregate classification (germline): Uncertain significance (1 of 4 stars; one submission).

Conditions:
Epileptic encephalopathy. Identifiers: MedGen C0543888, HP:0200134.

Submission:

Labcorp Genetics (formerly Invitae), Labcorp
Classification: Uncertain significance for Epileptic encephalopathy. Last evaluated: 2022-10-07. Review status: criteria provided, single submitter. Criteria: Invitae Variant Classification Sherloc (09022015). Collection method: clinical testing. Allele origin: germline.
Comment: In summary, the available evidence is currently insufficient to determine the role of this variant in disease. Therefore, it has been classified as a Variant of Uncertain Significance. Algorithms developed to predict the effect of sequence changes on RNA splicing suggest that this variant may disrupt the consensus splice site. Algorithms developed to predict the effect of missense changes on protein structure and function (SIFT, PolyPhen-2, Align-GVGD) all suggest that this variant is likely to be tolerated. This variant has not been reported in the literature in individuals affected with FASN-related conditions. This variant is not present in population databases (gnomAD no frequency). This sequence change replaces serine, which is neutral and polar, with glycine, which is neutral and non-polar, at codon 361 of the FASN protein (p.Ser361Gly).

NM_004104.5(FASN):c.1081A>G (p.Ser361Gly)

Gene: FASN (fatty acid synthase; minus strand). Cytogenetic location: 17q25.3.
Variant type: single nucleotide variant.
Coding change: c.1081A>G on transcript NM_004104.5 (MANE Select); coding-DNA position 1081, A replaced by G.
Protein change: p.Ser361Gly; replaces serine 361 with glycine.
Molecular consequence: missense variant.
Genome position (GRCh38, 1-based): chr17:82,091,633, T>C on the plus strand (A>G on the coding strand, the complement: FASN is on the minus strand). VCF-style: chr17-82091633-T-C. GRCh37 (hg19) VCF-style: chr17-80049509-T-C.
Other names: short protein forms S361G.
Identifiers: ClinVar variation 1720031 (VCV001720031.5), dbSNP rs2034211444, ClinGen allele CA401561307.